The following is an entry in ClinVar:

ClinVar aggregate classification (germline): Pathogenic (1 of 4 stars; one submission).

Submission:

Labcorp Genetics (formerly Invitae), Labcorp
Classification: Pathogenic. Last evaluated: 2025-11-09. Review status: criteria provided, single submitter. Criteria: Invitae Variant Classification Sherloc (09022015). Collection method: clinical testing. Allele origin: germline.
Comment: This sequence change creates a premature translational stop signal (p.Ser2977*) in the FRAS1 gene. It is expected to result in an absent or disrupted protein product. Loss-of-function variants in FRAS1 are known to be pathogenic (PMID: 12766769, 18671281). This variant is not present in population databases (gnomAD no frequency). This variant has not been reported in the literature in individuals affected with FRAS1-related conditions. For these reasons, this variant has been classified as Pathogenic.

Literature cited by the submitters: PubMed 12766769; PubMed 18671281.

NM_025074.7(FRAS1):c.8930C>A (p.Ser2977Ter)

Gene: FRAS1 (Fraser extracellular matrix complex subunit 1; plus strand). Cytogenetic location: 4q21.21.
Variant type: single nucleotide variant.
Coding change: c.8930C>A on transcript NM_025074.7 (MANE Select); coding-DNA position 8930, C replaced by A.
Protein change: p.Ser2977Ter; replaces serine 2977 with a stop codon.
Molecular consequence: nonsense.
Genome position (GRCh38, 1-based): chr4:78,489,052, C>A. VCF-style: chr4-78489052-C-A. GRCh37 (hg19) VCF-style: chr4-79410206-C-A.
Other names: short protein forms S2977*.
Identifiers: ClinVar variation 4730827 (VCV004730827.1).